The following is an entry in ClinVar:

NM_002227.4(JAK1):c.2764C>A (p.Leu922Met)

Gene: JAK1 (Janus kinase 1; minus strand). Cytogenetic location: 1p31.3.
Variant type: single nucleotide variant.
Coding change: c.2764C>A on transcript NM_002227.4 (MANE Select); coding-DNA position 2764, C replaced by A.
Protein change: p.Leu922Met; replaces leucine 922 with methionine.
Molecular consequence: missense variant.
Genome position (GRCh38, 1-based): chr1:64,839,681, G>T on the plus strand (C>A on the coding strand, the complement: JAK1 is on the minus strand). VCF-style: chr1-64839681-G-T. GRCh37 (hg19) VCF-style: chr1-65305364-G-T.
Other names: c.2764C>A, p.Leu922Met (NM_001320923.2, NM_001321852.2, NM_001321853.2 and 3 more transcripts); c.2761C>A, p.Leu921Met (NM_001321857.2); short protein forms L922M, L921M.
Identifiers: ClinVar variation 4692289 (VCV004692289.1).

ClinVar aggregate classification (germline): Uncertain significance (1 of 4 stars; one submission).

gnomAD v4.1: 2 of 1,614,140 alleles (0.00012%); highest among the groups gnomAD compares: Admixed American, 0.0017%; no homozygotes.

Submission:

Labcorp Genetics (formerly Invitae), Labcorp
Classification: Uncertain significance. Last evaluated: 2025-10-26. Review status: criteria provided, single submitter. Criteria: Invitae Variant Classification Sherloc (09022015). Collection method: clinical testing. Allele origin: germline.
Comment: This sequence change replaces leucine, which is neutral and non-polar, with methionine, which is neutral and non-polar, at codon 922 of the JAK1 protein (p.Leu922Met). This variant is present in population databases (rs373305681, gnomAD 0.003%). This variant has not been reported in the literature in individuals affected with JAK1-related conditions. Invitae Evidence Modeling of protein sequence and biophysical properties (such as structural, functional, and spatial information, amino acid conservation, physicochemical variation, residue mobility, and thermodynamic stability) has been performed for this missense variant. However, the output from this modeling did not meet the statistical confidence thresholds required to predict the impact of this variant on JAK1 protein function. In summary, the available evidence is currently insufficient to determine the role of this variant in disease. Therefore, it has been classified as a Variant of Uncertain Significance.